The following is an entry in ClinVar:

ClinVar aggregate classification (germline): Uncertain significance (1 of 4 stars; one submission).

Submission:

CeGaT Center for Human Genetics Tuebingen
Classification: Uncertain significance. Last evaluated: 2022-04-01. Review status: criteria provided, single submitter. Criteria: CeGaT Center For Human Genetics Tuebingen Variant Classification Criteria Version 2. Collection method: clinical testing. Allele origin: germline. Affected: yes. Observed: 1 variant allele.
Comment: PIEZO2: PM2, PP2, PP3

NM_001378183.1(PIEZO2):c.7465T>C (p.Phe2489Leu)

Gene: PIEZO2 (piezo type mechanosensitive ion channel component 2; minus strand). Cytogenetic location: 18p11.22.
Variant type: single nucleotide variant.
Coding change: c.7465T>C on transcript NM_001378183.1 (MANE Select); coding-DNA position 7465, T replaced by C.
Protein change: p.Phe2489Leu; replaces phenylalanine 2489 with leucine.
Molecular consequence: missense variant.
Genome position (GRCh38, 1-based): chr18:10,689,687, A>G on the plus strand (T>C on the coding strand, the complement: PIEZO2 is on the minus strand). VCF-style: chr18-10689687-A-G. GRCh37 (hg19) VCF-style: chr18-10689685-A-G.
Other names: c.7201T>C, p.Phe2401Leu (NM_001410871.1); c.7126T>C, p.Phe2376Leu (NM_022068.4); short protein forms F2376L, F2401L, F2489L.
Identifiers: ClinVar variation 2648583 (VCV002648583.24), dbSNP rs2510255982, ClinGen allele CA401915695.